The following is an entry in ClinVar:

NM_001144967.3(NEDD4L):c.1676A>G (p.His559Arg)

Gene: NEDD4L (NEDD4 like E3 ubiquitin protein ligase; plus strand). Cytogenetic location: 18q21.31.
Variant type: single nucleotide variant.
Coding change: c.1676A>G on transcript NM_001144967.3 (MANE Select); coding-DNA position 1676, A replaced by G.
Protein change: p.His559Arg; replaces histidine 559 with arginine.
Molecular consequence: missense variant.
Genome position (GRCh38, 1-based): chr18:58,351,013, A>G. VCF-style: chr18-58351013-A-G. GRCh37 (hg19) VCF-style: chr18-56018245-A-G.
Other names: c.1313A>G, p.His438Arg (NM_001144964.1, NM_001144965.2, NM_001144966.3); c.1652A>G, p.His551Arg (NM_001144968.2); c.1592A>G, p.His531Arg (NM_001144969.2); c.1253A>G, p.His418Arg (NM_001144970.3, NM_001144971.2); c.1484A>G, p.His495Arg (NM_001243960.2); c.1616A>G, p.His539Arg (NM_015277.6); short protein forms H559R, H438R, H418R, H495R, H531R, H539R, H551R.
Identifiers: ClinVar variation 1522497 (VCV001522497.9), dbSNP rs958611451, ClinGen allele CA300878477.

ClinVar aggregate classification (germline): Uncertain significance. Review status: criteria provided, multiple submitters, no conflicts (2 of 4 stars). 2 submissions from 2 submitters: Uncertain significance (2). Last evaluated 2025-05-07.

Conditions:
Periventricular nodular heterotopia 7 (PVNH7). Identifiers: MedGen C4310669, MONDO:0014966, OMIM 617201.

Allele frequency attached by ClinVar (database versions not stated): gnomAD 0.00001; gnomAD exomes 0.00001.
gnomAD v4.1: 9 of 1,594,470 alleles (0.00056%); highest among the groups gnomAD compares: African/African-American, 0.0013%; no homozygotes.

Submissions (2):

Labcorp Genetics (formerly Invitae), Labcorp
Classification: Uncertain significance. Last evaluated: 2025-05-07. Review status: criteria provided, single submitter. Criteria: Invitae Variant Classification Sherloc (09022015). Collection method: clinical testing. Allele origin: germline.
Comment: This sequence change replaces histidine, which is basic and polar, with arginine, which is basic and polar, at codon 539 of the NEDD4L protein (p.His539Arg). This variant is not present in population databases (gnomAD no frequency). This variant has not been reported in the literature in individuals affected with NEDD4L-related conditions. ClinVar contains an entry for this variant (Variation ID: 1522497). Invitae Evidence Modeling of protein sequence and biophysical properties (such as structural, functional, and spatial information, amino acid conservation, physicochemical variation, residue mobility, and thermodynamic stability) has been performed for this missense variant. However, the output from this modeling did not meet the statistical confidence thresholds required to predict the impact of this variant on NEDD4L protein function. In summary, the available evidence is currently insufficient to determine the role of this variant in disease. Therefore, it has been classified as a Variant of Uncertain Significance.

Fulgent Genetics
Classification: Uncertain significance for Periventricular nodular heterotopia 7. Last evaluated: 2022-01-10. Review status: criteria provided, single submitter. Criteria: ACMG Guidelines, 2015. Collection method: clinical testing. Allele origin: unknown.